The following is an entry in ClinVar:

ClinVar aggregate classification (germline): Uncertain significance (1 of 4 stars; one submission).

gnomAD v4.1: 19 of 1,613,818 alleles (0.0012%); highest among the groups gnomAD compares: East Asian, 0.038%; no homozygotes.

Submission:

Labcorp Genetics (formerly Invitae), Labcorp
Classification: Uncertain significance. Last evaluated: 2025-08-20. Review status: criteria provided, single submitter. Criteria: Invitae Variant Classification Sherloc (09022015). Collection method: clinical testing. Allele origin: germline.
Comment: This sequence change falls in intron 12 of the IGF1R gene. It does not directly change the encoded amino acid sequence of the IGF1R protein. It affects a nucleotide within the consensus splice site. This variant is present in population databases (rs759093066, gnomAD 0.1%). This variant has not been reported in the literature in individuals affected with IGF1R-related conditions. Variants that disrupt the consensus splice site are a relatively common cause of aberrant splicing (PMID: 17576681, 9536098). Algorithms developed to predict the effect of sequence changes on RNA splicing suggest that this variant is not likely to affect RNA splicing. In summary, the available evidence is currently insufficient to determine the role of this variant in disease. Therefore, it has been classified as a Variant of Uncertain Significance.

Literature cited by the submitters: PubMed 17576681; PubMed 9536098.

NM_000875.5(IGF1R):c.2622+4G>A

Gene: IGF1R (insulin like growth factor 1 receptor; plus strand). Cytogenetic location: 15q26.3.
Variant type: single nucleotide variant.
Coding change: c.2622+4G>A on transcript NM_000875.5 (MANE Select); 4 bases into the intron after coding-DNA position 2622, G replaced by A.
Molecular consequence: intron variant.
Genome position (GRCh38, 1-based): chr15:98,924,016, G>A. VCF-style: chr15-98924016-G-A. GRCh37 (hg19) VCF-style: chr15-99467245-G-A.
Other names: c.2622+4G>A (NM_001291858.2).
Identifiers: ClinVar variation 4700329 (VCV004700329.1).